The following is an entry in ClinVar:

ClinVar aggregate classification (germline): Uncertain significance. Review status: criteria provided, multiple submitters, no conflicts (2 of 4 stars). 2 submissions from 2 submitters: Uncertain significance (2). Last evaluated 2025-06-18.

Conditions:
Inborn genetic diseases. Identifiers: MedGen C0950123, MeSH D030342.

Allele frequency attached by ClinVar (database versions not stated): gnomAD 0.00036 and 0.00039; TOPMed 0.00036.
gnomAD v4.1: 98 of 1,613,778 alleles (0.0061%); highest among the groups gnomAD compares: Admixed American, 0.12%; no homozygotes.

Submissions (2):

Ambry Genetics
Classification: Uncertain significance for Inborn genetic diseases. Last evaluated: 2025-06-18. Review status: criteria provided, single submitter. Criteria: Ambry Variant Classification Scheme 2023. Collection method: clinical testing. Allele origin: germline.

Labcorp Genetics (formerly Invitae), Labcorp
Classification: Uncertain significance. Last evaluated: 2024-12-17. Review status: criteria provided, single submitter. Criteria: Invitae Variant Classification Sherloc (09022015). Collection method: clinical testing. Allele origin: germline.
Comment: This sequence change replaces arginine, which is basic and polar, with serine, which is neutral and polar, at codon 349 of the MICU1 protein (p.Arg349Ser). This variant is present in population databases (no rsID available, gnomAD 0.07%). This variant has not been reported in the literature in individuals affected with MICU1-related conditions. ClinVar contains an entry for this variant (Variation ID: 1376384). Invitae Evidence Modeling of protein sequence and biophysical properties (such as structural, functional, and spatial information, amino acid conservation, physicochemical variation, residue mobility, and thermodynamic stability) indicates that this missense variant is not expected to disrupt MICU1 protein function with a negative predictive value of 80%. In summary, the available evidence is currently insufficient to determine the role of this variant in disease. Therefore, it has been classified as a Variant of Uncertain Significance.

NM_001195518.2(MICU1):c.1041G>T (p.Arg347Ser)

Gene: MICU1 (mitochondrial calcium uptake 1; minus strand). Cytogenetic location: 10q22.1.
Variant type: single nucleotide variant.
Coding change: c.1041G>T on transcript NM_001195518.2 (MANE Select); coding-DNA position 1041, G replaced by T.
Protein change: p.Arg347Ser; replaces arginine 347 with serine.
Molecular consequence: missense variant.
Genome position (GRCh38, 1-based): chr10:72,423,264, C>A on the plus strand (G>T on the coding strand, the complement: MICU1 is on the minus strand). VCF-style: chr10-72423264-C-A. GRCh37 (hg19) VCF-style: chr10-74183022-C-A.
Other names: c.447G>T, p.Arg149Ser (NM_001195519.2); c.1059G>T, p.Arg353Ser (NM_001363513.2); c.1047G>T, p.Arg349Ser (NM_006077.4); c.1047G>T (NM_006077.3); short protein forms R347S, R149S, R349S, R353S.
Identifiers: ClinVar variation 1376384 (VCV001376384.8), dbSNP rs917988342, ClinGen allele CA209555642.
Genomic context (GRCh38, chr10:72,423,264, plus strand): 5'-TCTCTTCTTCCTCCAGCCAAAGCTACCTACCTTTCCTTCTTTGAAGTGCTTCTTGAGCTG[C>A]CTCTGCATGGCGGTCAGCTTCTTGGACTGCACCCCACTGTAGGCAAGTAGCATGCCACCA-3'
Protein context (NP_001182447.1, residues 337-357): VQSKKLTAMQ[Arg347Ser]QLKKHFKEGK